The following is an entry in ClinVar:

ClinVar aggregate classification (germline): Conflicting classifications of pathogenicity. Review status: criteria provided, conflicting classifications (1 of 4 stars). 2 submissions from 2 submitters: Uncertain significance (1); Likely benign (1). Last evaluated 2025-08-18.

Allele frequency attached by ClinVar (database versions not stated): gnomAD 0.00002; ExAC 0.00004.
gnomAD v4.1: 31 of 1,611,120 alleles (0.0019%); highest among the groups gnomAD compares: South Asian, 0.0066%; no homozygotes.

Submissions (2):

Labcorp Genetics (formerly Invitae), Labcorp
Classification: Likely benign. Last evaluated: 2025-08-18. Review status: criteria provided, single submitter. Criteria: Invitae Variant Classification Sherloc (09022015). Collection method: clinical testing. Allele origin: germline.

CeGaT Center for Human Genetics Tuebingen
Classification: Uncertain significance. Last evaluated: 2024-09-01. Review status: criteria provided, single submitter. Criteria: CeGaT Center For Human Genetics Tuebingen Variant Classification Criteria Version 2. Collection method: clinical testing. Allele origin: germline. Affected: yes. Observed: 1 variant allele.
Comment: KMT2B: PM2:Supporting, BP4

NM_014727.3(KMT2B):c.5768C>T (p.Pro1923Leu)

Gene: KMT2B (lysine methyltransferase 2B; plus strand). Cytogenetic location: 19q13.12.
Variant type: single nucleotide variant.
Coding change: c.5768C>T on transcript NM_014727.3 (MANE Select); coding-DNA position 5768, C replaced by T.
Protein change: p.Pro1923Leu; replaces proline 1923 with leucine.
Molecular consequence: missense variant.
Genome position (GRCh38, 1-based): chr19:35,732,317, C>T. VCF-style: chr19-35732317-C-T. GRCh37 (hg19) VCF-style: chr19-36223218-C-T.
Other names: short protein forms P1923L.
Identifiers: ClinVar variation 2058859 (VCV002058859.18), dbSNP rs780917089, ClinGen allele CA9385530.